The following is an entry in ClinVar:

NM_019594.4(LRRC8A):c.755C>A (p.Thr252Asn)

Gene: LRRC8A (leucine rich repeat containing 8 VRAC subunit A; plus strand). Cytogenetic location: 9q34.11.
Variant type: single nucleotide variant.
Coding change: c.755C>A on transcript NM_019594.4 (MANE Select); coding-DNA position 755, C replaced by A.
Protein change: p.Thr252Asn; replaces threonine 252 with asparagine.
Molecular consequence: missense variant.
Genome position (GRCh38, 1-based): chr9:128,907,919, C>A. VCF-style: chr9-128907919-C-A. GRCh37 (hg19) VCF-style: chr9-131670198-C-A.
Other names: c.755C>A (NM_001127244.1); c.755C>A, p.Thr252Asn (NM_001127245.2, NM_001127244.2); short protein forms T252N.
Identifiers: ClinVar variation 2982899 (VCV002982899.4), dbSNP rs2491868451, ClinGen allele CA375078095.
Genomic context (GRCh38, chr9:128,907,919, plus strand): 5'-TGGACAAGAAGGAGGGGGAGCAAGCCAAGGCGCTGTTTGAGAAGGTGAAGAAGTTCCGGA[C>A]CCATGTGGAGGAGGGGGACATTGTGTACCGCCTCTACATGCGGCAGACCATCATCAAGGT-3'
Protein context (NP_062540.2, residues 242-262): ALFEKVKKFR[Thr252Asn]HVEEGDIVYR

ClinVar aggregate classification (germline): Uncertain significance. Review status: criteria provided, multiple submitters, no conflicts (2 of 4 stars). 2 submissions from 2 submitters: Uncertain significance (2). Last evaluated 2024-07-16.

Allele frequency attached by ClinVar (database versions not stated): gnomAD exomes below 0.00001.
gnomAD v4.1: 1 of 1,614,090 alleles (0.000062%); highest among the groups gnomAD compares: South Asian, 0.0011%; no homozygotes.

Submissions (2):

Ambry Genetics
Classification: Uncertain significance. Last evaluated: 2024-07-16. Review status: criteria provided, single submitter. Criteria: Ambry Variant Classification Scheme 2023. Collection method: clinical testing. Allele origin: germline.

Labcorp Genetics (formerly Invitae), Labcorp
Classification: Uncertain significance. Last evaluated: 2024-05-23. Review status: criteria provided, single submitter. Criteria: Invitae Variant Classification Sherloc (09022015). Collection method: clinical testing. Allele origin: germline.
Comment: This sequence change replaces threonine, which is neutral and polar, with asparagine, which is neutral and polar, at codon 252 of the LRRC8A protein (p.Thr252Asn). This variant is not present in population databases (gnomAD no frequency). This variant has not been reported in the literature in individuals affected with LRRC8A-related conditions. An algorithm developed to predict the effect of missense changes on protein structure and function (PolyPhen-2) suggests that this variant is likely to be tolerated. In summary, the available evidence is currently insufficient to determine the role of this variant in disease. Therefore, it has been classified as a Variant of Uncertain Significance.